The following is an entry in ClinVar:

NM_001127221.2(CACNA1A):c.5533G>A (p.Gly1845Ser)

Gene: CACNA1A (calcium voltage-gated channel subunit alpha1 A; minus strand). Cytogenetic location: 19p13.13.
Variant type: single nucleotide variant.
Coding change: c.5533G>A on transcript NM_001127221.2 (MANE Plus Clinical); coding-DNA position 5533, G replaced by A.
Protein change: p.Gly1845Ser; replaces glycine 1845 with serine.
Molecular consequence: missense variant. On other transcripts: intron variant (4).
Genome position (GRCh38, 1-based): chr19:13,228,794, C>T on the plus strand (G>A on the coding strand, the complement: CACNA1A is on the minus strand). VCF-style: chr19-13228794-C-T. GRCh37 (hg19) VCF-style: chr19-13339608-C-T.
Other names: c.5529-1267G>A (NM_001127222.2); c.5538-1267G>A (NM_001174080.2); c.5547-1267G>A (NM_000068.4, NM_023035.3); short protein forms G1845S.
Identifiers: ClinVar variation 1311421 (VCV001311421.11), dbSNP rs141565870, ClinGen allele CA9239692.

ClinVar aggregate classification (germline): Uncertain significance. Review status: criteria provided, multiple submitters, no conflicts (2 of 4 stars). 2 submissions from 2 submitters: Uncertain significance (2). Last evaluated 2024-11-15.

Conditions:
Episodic ataxia type 2 (EA2). Also called: ATAXIA, EPISODIC, WITH NYSTAGMUS; ATAXIA, FAMILIAL PAROXYSMAL; CEREBELLAR ATAXIA, PAROXYSMAL, ACETAZOLAMIDE-RESPONSIVE; CEREBELLOPATHY, HEREDITARY PAROXYSMAL; EPISODIC ATAXIA, NYSTAGMUS-ASSOCIATED; ACETAZOLAMIDE-RESPONSIVE HEREDITARY PAROXYSMAL CEREBELLAR ATAXIA. Identifiers: Orphanet 97, MedGen C1720416, MONDO:0007163, OMIM 108500.
Developmental and epileptic encephalopathy, 42 (DEE42A). Also called: Epileptic encephalopathy, early infantile, 42; DEVELOPMENTAL AND EPILEPTIC ENCEPHALOPATHY 42A; EPILEPTIC ENCEPHALOPATHY, EARLY INFANTILE, 42A. Identifiers: MedGen C4310716, MONDO:0014917, OMIM 617106.

Allele frequency attached by ClinVar (database versions not stated): gnomAD 0.00002; TOPMed 0.00003; 1000 Genomes Project 30x 0.00016; 1000 Genomes Project 0.00020.
gnomAD v4.1: 40 of 1,572,256 alleles (0.0025%); highest among the groups gnomAD compares: South Asian, 0.0058%; no homozygotes.

Submissions (2):

Labcorp Genetics (formerly Invitae), Labcorp
Classification: Uncertain significance for Developmental and epileptic encephalopathy, 42; Episodic ataxia type 2. Last evaluated: 2024-11-15. Review status: criteria provided, single submitter. Criteria: Invitae Variant Classification Sherloc (09022015). Collection method: clinical testing. Allele origin: germline.
Comment: This sequence change replaces glycine, which is neutral and non-polar, with serine, which is neutral and polar, at codon 1845 of the CACNA1A protein (p.Gly1845Ser). This variant is present in population databases (rs141565870, gnomAD 0.007%). This variant has not been reported in the literature in individuals affected with CACNA1A-related conditions. ClinVar contains an entry for this variant (Variation ID: 1311421). An algorithm developed to predict the effect of missense changes on protein structure and function (PolyPhen-2) suggests that this variant is likely to be disruptive. In summary, the available evidence is currently insufficient to determine the role of this variant in disease. Therefore, it has been classified as a Variant of Uncertain Significance.

GeneDx
Classification: Uncertain significance. Last evaluated: 2022-06-03. Review status: criteria provided, single submitter. Criteria: GeneDx Variant Classification Process June 2021. Collection method: clinical testing. Allele origin: germline. Affected: yes.
Comment: In silico analysis supports that this missense variant has a deleterious effect on protein structure/function; Has not been previously published as pathogenic or benign to our knowledge